The following is an entry in ClinVar:

ClinVar aggregate classification (germline): Uncertain significance. Review status: criteria provided, multiple submitters, no conflicts (2 of 4 stars). 3 submissions from 3 submitters: Uncertain significance (3). Last evaluated 2025-12-08.

Conditions:
Inborn genetic diseases. Identifiers: MedGen C0950123, MeSH D030342.
PKD1L1-related disorder. Also called: PKD1L1-related condition.

Allele frequency attached by ClinVar (database versions not stated): gnomAD exomes 0.00001; ExAC 0.00004; ESP Exome Variant Server 0.00008; gnomAD 0.00008; TOPMed 0.00012.
gnomAD v4.1: 35 of 1,614,026 alleles (0.0022%); highest among the groups gnomAD compares: African/African-American, 0.0093%; no homozygotes.

Submissions (3):

Ambry Genetics
Classification: Uncertain significance for Inborn genetic diseases. Last evaluated: 2025-12-08. Review status: criteria provided, single submitter. Criteria: Ambry Variant Classification Scheme 2023. Collection method: clinical testing. Allele origin: germline.

PreventionGenetics, part of Exact Sciences
Classification: Uncertain significance for PKD1L1-related condition. Last evaluated: 2025-08-11. Review status: criteria provided, single submitter. Criteria: ACMG Guidelines, 2015. Collection method: clinical testing. Allele origin: germline.
Comment: The PKD1L1 c.7031C>T variant is predicted to result in the amino acid substitution p.Thr2344Ile. To our knowledge, this variant has not been reported in the literature. This variant is reported in 0.0046% of alleles in individuals of European (Non-Finnish) descent in gnomAD. At this time, the clinical significance of this variant is uncertain due to the absence of conclusive functional and genetic evidence.

Labcorp Genetics (formerly Invitae), Labcorp
Classification: Uncertain significance. Last evaluated: 2024-10-22. Review status: criteria provided, single submitter. Criteria: Invitae Variant Classification Sherloc (09022015). Collection method: clinical testing. Allele origin: germline.
Comment: This sequence change replaces threonine, which is neutral and polar, with isoleucine, which is neutral and non-polar, at codon 2344 of the PKD1L1 protein (p.Thr2344Ile). This variant is present in population databases (rs368138078, gnomAD 0.005%). This variant has not been reported in the literature in individuals affected with PKD1L1-related conditions. ClinVar contains an entry for this variant (Variation ID: 2304493). Invitae Evidence Modeling of protein sequence and biophysical properties (such as structural, functional, and spatial information, amino acid conservation, physicochemical variation, residue mobility, and thermodynamic stability) indicates that this missense variant is not expected to disrupt PKD1L1 protein function with a negative predictive value of 80%. In summary, the available evidence is currently insufficient to determine the role of this variant in disease. Therefore, it has been classified as a Variant of Uncertain Significance.

NM_138295.5(PKD1L1):c.7031C>T (p.Thr2344Ile)

Genes: PKD1L1 (polycystin 1 like 1, transient receptor potential channel interacting; minus strand), PKD1L1-AS1 (PKD1L1 antisense RNA 1; plus strand). Cytogenetic location: 7p12.3.
Variant type: single nucleotide variant.
Coding change: c.7031C>T on transcript NM_138295.5 (MANE Select); coding-DNA position 7031, C replaced by T.
Protein change: p.Thr2344Ile; replaces threonine 2344 with isoleucine.
Molecular consequence: missense variant.
Genome position (GRCh38, 1-based): chr7:47,815,392, G>A on the plus strand (C>T on the coding strand, the complement: PKD1L1 is on the minus strand). VCF-style: chr7-47815392-G-A. GRCh37 (hg19) VCF-style: chr7-47854990-G-A.
Other names: short protein forms T2344I.
Identifiers: ClinVar variation 2304493 (VCV002304493.6), dbSNP rs368138078, ClinGen allele CA4252154.
Genomic context (GRCh38, chr7:47,815,392, plus strand): 5'-ACCTGAGCCCCCGGCACACGGGCTGACGGGGTGCCTCCCGGGTACAGGCCATCCAGAAGT[G>A]TGGTCAGACTCCAGTCCCACCAGTCAGCGATGTTTCTCAGGCCACCCAAGCAGTTTCTGG-3'
Protein context (NP_612152.1, residues 2334-2354): IADWWDWSLT[Thr2344Ile]LLDGLYPGGT